The following is an entry in ClinVar:

ClinVar aggregate classification (germline): Uncertain significance (1 of 4 stars; one submission).

Conditions:
Proteinuria, chronic benign. Identifiers: MedGen C5394384, MONDO:0030042, OMIM 618884.

Submission:

MVZ Medizinische Genetik Mainz
Classification: Uncertain significance for Proteinuria, chronic benign. Last evaluated: 2025-11-11. Review status: criteria provided, single submitter. Criteria: UK Practice Guidelines For Variant Classification V4 01 2020. Collection method: clinical testing. Allele origin: germline. Inheritance: Autosomal recessive inheritance. Affected: yes. Observed: 1 variant allele.
Comment: ACMG Criteria: PM2_SUP,PP3

NM_001081.4(CUBN):c.6647-22A>G

Gene: CUBN (cubilin; minus strand). Cytogenetic location: 10p13.
Variant type: single nucleotide variant.
Coding change: c.6647-22A>G on transcript NM_001081.4 (MANE Select); 22 bases into the intron before coding-DNA position 6647, A replaced by G.
Molecular consequence: intron variant.
Genome position (GRCh38, 1-based): chr10:16,920,159, T>C on the plus strand (A>G on the coding strand, the complement: CUBN is on the minus strand). VCF-style: chr10-16920159-T-C. GRCh37 (hg19) VCF-style: chr10-16962158-T-C.
Identifiers: ClinVar variation 4532229 (VCV004532229.1).